The following is an entry in ClinVar:

ClinVar aggregate classification (germline): Benign. Review status: criteria provided, multiple submitters, no conflicts (2 of 4 stars). 7 submissions from 7 submitters: Benign (5). 2 of the submissions do not count toward it. Last evaluated 2026-01-22.

Conditions:
ATPAF2-related disorder. Also called: ATPAF2-related condition.
Mitochondrial complex V (ATP synthase) deficiency, nuclear type 1. Also called: MITOCHONDRIAL COMPLEX V (ATP SYNTHASE) DEFICIENCY, ATPAF2 TYPE; Nuclear-Encoded ATPase Deficiency, ATPAF2-Related. Identifiers: Orphanet 254913, MedGen C3276276, MONDO:0011421, OMIM 604273.

Allele frequency attached by ClinVar (database versions not stated): gnomAD exomes 0.03079 and 0.03389; 1000 Genomes Project 0.01637; TOPMed 0.02087; gnomAD 0.02665 and 0.02668; ExAC 0.03079; 1000 Genomes Project 30x 0.01718; ESP Exome Variant Server 0.02399.
gnomAD v4.1: 53,440 of 1,614,012 alleles (3.3%); highest among the groups gnomAD compares: Middle Eastern, 4.8%; 1,059 homozygotes.

Submissions (7):

Labcorp Genetics (formerly Invitae), Labcorp
Classification: Benign. Last evaluated: 2026-01-22. Review status: criteria provided, single submitter. Criteria: Invitae Variant Classification Sherloc (09022015). Collection method: clinical testing. Allele origin: germline.

ARUP Laboratories, Molecular Genetics and Genomics, ARUP Laboratories
Classification: Benign for Mitochondrial complex V (ATP synthase) deficiency, nuclear type 1. Last evaluated: 2023-11-08. Review status: criteria provided, single submitter. Criteria: ARUP Molecular Germline Variant Investigation Process 2024. Collection method: clinical testing. Allele origin: germline.

Illumina Laboratory Services, Illumina
Classification: Benign for Mitochondrial complex V (ATP synthase) deficiency, nuclear type 1. Last evaluated: 2018-01-12. Review status: criteria provided, single submitter. Criteria: ICSL Variant Classification Criteria 13 December 2019. Collection method: clinical testing. Allele origin: germline.
Comment: This variant was observed in the ICSL laboratory as part of a predisposition screen in an ostensibly healthy population. It had not been previously curated by ICSL or reported in the Human Gene Mutation Database (HGMD: prior to June 1st, 2018), and was therefore a candidate for classification through an automated scoring system. Utilizing variant allele frequency, disease prevalence and penetrance estimates, and inheritance mode, an automated score was calculated to assess if this variant is too frequent to cause the disease. Based on the score and internal cut-off values, a variant classified as benign is not then subjected to further curation. The score for this variant resulted in a classification of benign for this disease.

GeneDx
Classification: Benign. Last evaluated: 2012-05-23. Review status: criteria provided, single submitter. Criteria: GeneDx Variant Classification (06012015). Collection method: clinical testing. Allele origin: germline. Affected: yes.
Comment: This variant is considered likely benign or benign based on one or more of the following criteria: it is a conservative change, it occurs at a poorly conserved position in the protein, it is predicted to be benign by multiple in silico algorithms, and/or has population frequency not consistent with disease.

Breakthrough Genomics
Classification: Benign. Review status: criteria provided, single submitter. Criteria: ACMG Guidelines, 2015. Collection method: not provided. Allele origin: germline. Inheritance: Autosomal recessive inheritance. Affected: yes.

PreventionGenetics, part of Exact Sciences
Classification: Benign for ATPAF2-related condition. Last evaluated: 2019-07-08. Review status: no assertion criteria provided. Collection method: clinical testing. Allele origin: germline. Not counted in ClinVar's aggregate classification.
Comment: This variant is classified as benign based on ACMG/AMP sequence variant interpretation guidelines (Richards et al. 2015 PMID: 25741868, with internal and published modifications).

Mayo Clinic Laboratories, Mayo Clinic
Classification: Benign. Last evaluated: 2016-02-19. Review status: no assertion criteria provided. Collection method: clinical testing. Allele origin: unknown. Not counted in ClinVar's aggregate classification.

NM_145691.4(ATPAF2):c.738G>A (p.Gln246=)

Gene: ATPAF2 (ATP synthase mitochondrial F1 complex assembly factor 2; minus strand). Cytogenetic location: 17p11.2.
Variant type: single nucleotide variant.
Coding change: c.738G>A on transcript NM_145691.4 (MANE Select); coding-DNA position 738, G replaced by A.
Protein change: p.Gln246=; no amino-acid change (glutamine 246 retained).
Molecular consequence: synonymous variant.
Genome position (GRCh38, 1-based): chr17:18,018,681, C>T on the plus strand (G>A on the coding strand, the complement: ATPAF2 is on the minus strand). VCF-style: chr17-18018681-C-T. GRCh37 (hg19) VCF-style: chr17-17921995-C-T.
Other names: p.Q246Q:CAG>CAA.
Identifiers: ClinVar variation 136468 (VCV000136468.26), dbSNP rs33997182, ClinGen allele CA289606.